The following is an entry in ClinVar:

ClinVar aggregate classification (germline): Pathogenic/Likely pathogenic. Review status: criteria provided, multiple submitters, no conflicts (2 of 4 stars). 4 submissions from 4 submitters: Pathogenic (2); Likely pathogenic (2). Last evaluated 2025-09-15.

Conditions:
CFTR-related disorder (CFTR-RD). Also called: CFTR-related disorders; CFTR-related condition. Identifiers: MedGen C5924204, MONDO:7770004.
Cystic fibrosis (CF). Also called: MUCOVISCIDOSIS. Identifiers: Orphanet 586, MedGen C0010674, MONDO:0009061, OMIM 219700. Disease mechanism: loss of function.
Bronchiectasis with or without elevated sweat chloride 1 (BESC1). Also called: Cystic Fibrosis-Like Syndrome. Identifiers: Orphanet 60033, MedGen C2749757, MONDO:0008887, OMIM 211400.

Allele frequency attached by ClinVar (database versions not stated): gnomAD exomes below 0.00001.

Submissions (4):

Natera, Inc.
Classification: Likely pathogenic for CFTR-related disorders. Last evaluated: 2025-09-15. Review status: criteria provided, single submitter. Criteria: Natera Variant Classification Schema (03/2026). Collection method: clinical testing. Allele origin: germline.
Comment: The c.1871_1878delGCTATTTT variant in CFTR is a frameshift variant predicted to shift the reading frame beginning at codon 624 and leads to a stop codon 15 codons downstream. This variant is expected to result in nonsense mediated decay, truncation, or a dysfunctional protein product. This variant is rare in the general population with a frequency below the threshold expected for the associated phenotype(s). Given the available evidence, this variant is classified as Likely Pathogenic.

Baylor Genetics
Classification: Pathogenic for Bronchiectasis with or without elevated sweat chloride 1. Last evaluated: 2024-03-07. Review status: criteria provided, single submitter. Criteria: ACMG Guidelines, 2015. Collection method: clinical testing. Allele origin: unknown.

Women's Health and Genetics/Laboratory Corporation of America, LabCorp
Classification: Pathogenic for Cystic fibrosis. Last evaluated: 2024-01-15. Review status: criteria provided, single submitter. Criteria: LabCorp Variant Classification Summary - May 2015. Collection method: clinical testing. Allele origin: germline.
Comment: Variant summary: CFTR c.1871_1878delGCTATTTT (p.Ser624IlefsX15) results in a premature termination codon, predicted to cause a truncation of the encoded protein or absence of the protein due to nonsense mediated decay, which are commonly known mechanisms for disease. The variant allele was found at a frequency of 4.1e-06 in 243716 control chromosomes. To our knowledge, no occurrence of c.1871_1878delGCTATTTT in individuals affected with Cystic Fibrosis and no experimental evidence demonstrating its impact on protein function have been reported. ClinVar contains an entry for this variant (Variation ID: 2584868). Based on the evidence outlined above, the variant was classified as pathogenic.

Neuberg Centre For Genomic Medicine, NCGM
Classification: Likely pathogenic for Cystic fibrosis. Review status: criteria provided, single submitter. Criteria: ACMG Guidelines, 2015. Collection method: clinical testing. Allele origin: germline. Inheritance: Autosomal recessive inheritance. Affected: yes.
Comment: The frameshift variant c.1871_1878del (p.Ser624IlefsTer15) in CFTR has not been reported previously as a pathogenic variant nor as a benign variant, to our knowledge. The p.Ser624IlefsTer15 variant has allele frequency 0.0004% in gnomAD exomes and is novel (not in any individuals) in 1000 Genomes. This variant has not been reported to the ClinVar database. This variant is predicted to cause loss of normal protein function through protein truncation. Loss of function variants have been previously reported to be disease causing. For these reasons, this variant has been classified as Likely Pathogenic.

NM_000492.4(CFTR):c.1871_1878del (p.Ser624fs)

Gene: CFTR (CF transmembrane conductance regulator; plus strand). Cytogenetic location: 7q31.2.
Variant type: Deletion.
Coding change: c.1871_1878del on transcript NM_000492.4 (MANE Select); coding-DNA positions 1871 to 1878, 8 bases deleted (GCTATTTT; older notation c.1871_1878delGCTATTTT).
Protein change: p.Ser624fs; shifts the reading frame from serine 624.
Molecular consequence: frameshift variant.
Genome position (GRCh38, 1-based): chr7:117,592,038-117,592,045, GCTATTTT deleted. VCF-style (leftmost placement, unchanged base first): chr7-117592037-AGCTATTTT-A. GRCh37 (hg19) VCF-style: chr7-117232091-AGCTATTTT-A.
Other names: c.1871_1878delGCTATTTT (NM_000492.4); short protein forms S624fs.
Identifiers: ClinVar variation 2584868 (VCV002584868.4), dbSNP rs1284763505, ClinGen allele CA577680762.